The following is an entry in ClinVar:

NM_182914.3(SYNE2):c.12466T>C (p.Ser4156Pro)

Gene: SYNE2 (spectrin repeat containing nuclear envelope protein 2; plus strand). Cytogenetic location: 14q23.2.
Variant type: single nucleotide variant.
Coding change: c.12466T>C on transcript NM_182914.3 (MANE Select); coding-DNA position 12466, T replaced by C.
Protein change: p.Ser4156Pro; replaces serine 4156 with proline.
Molecular consequence: missense variant.
Genome position (GRCh38, 1-based): chr14:64,102,016, T>C. VCF-style: chr14-64102016-T-C. GRCh37 (hg19) VCF-style: chr14-64568734-T-C.
Other names: c.12466T>C, p.Ser4156Pro (NM_015180.6); short protein forms S4156P.
Identifiers: ClinVar variation 5041474 (VCV005041474.1).

ClinVar aggregate classification (germline): Likely benign (1 of 4 stars; one submission).

gnomAD v4.1: 16 of 1,613,798 alleles (0.00099%); highest among the groups gnomAD compares: Non-Finnish European, 0.0014%; no homozygotes.

Submission:

CeGaT Center for Human Genetics Tuebingen
Classification: Likely benign. Last evaluated: 2026-09-01. Review status: criteria provided, single submitter. Criteria: CeGaT Center For Human Genetics Tuebingen Variant Classification Criteria Version 2. Collection method: clinical testing. Allele origin: germline. Affected: yes. Observed: 1 variant allele.
Comment: SYNE2: BP4